The following is an entry in ClinVar:

NM_000136.3(FANCC):c.996+1G>T

Genes: AOPEP (aminopeptidase O (putative); plus strand), FANCC (FA complementation group C; minus strand). Cytogenetic location: 9q22.32.
Variant type: single nucleotide variant.
Coding change: c.996+1G>T on transcript NM_000136.3 (MANE Select); the canonical splice donor site of the intron after coding-DNA position 996, G replaced by T.
Molecular consequence: splice donor variant.
Genome position (GRCh38, 1-based): chr9:95,125,085, C>A on the plus strand (G>T on the coding strand, the complement: FANCC is on the minus strand). VCF-style: chr9-95125085-C-A. GRCh37 (hg19) VCF-style: chr9-97887367-C-A.
Other names: c.996+1G>T (NM_001243743.2, NM_001243744.2).
Identifiers: ClinVar variation 265137 (VCV000265137.60), dbSNP rs370510954, ClinGen allele CA5137571.
Genomic context (GRCh38, chr9:95,125,085, plus strand): 5'-AATACTCTCAACAGCGTCTTATTCTCTGGGATGAATGAGTAATATATGTGATATAACAAA[C>A]CTGCTTGCTTGCTTTCTCCAGAGCTTCTACAAAGCACTGCGTAAACACCTGAATAGTGGC-3'

ClinVar aggregate classification (germline): Pathogenic/Likely pathogenic. Review status: criteria provided, multiple submitters, no conflicts (2 of 4 stars). 12 submissions from 12 submitters: Pathogenic (4); Likely pathogenic (8). Last evaluated 2026-01-27.

Conditions:
FANCC-related disorder. Also called: FANCC-related condition.
Hereditary cancer-predisposing syndrome. Also called: Tumor predisposition; Hereditary Cancer Syndrome; Neoplastic Syndromes, Hereditary; Hereditary neoplastic syndrome. Identifiers: Orphanet 140162, MedGen C0027672, MeSH D009386, MONDO:0015356.
Fanconi anemia (FA). Also called: Fanconi's anemia. Identifiers: Orphanet 84, MedGen C0015625, MeSH D005199, MONDO:0019391.
Fanconi anemia complementation group C (FANCC). Also called: FANCC-Related Fanconi Anemia; FANCONI PANCYTOPENIA, TYPE 3; FACC; Fanconi anemia, group C. Identifiers: Orphanet 84, MedGen C3468041, MONDO:0009213, OMIM 227645.

Allele frequency attached by ClinVar (database versions not stated): gnomAD 0.00001; gnomAD exomes 0.00001; TOPMed 0.00001; ExAC 0.00002; ESP Exome Variant Server 0.00008.
gnomAD v4.1: 13 of 1,613,516 alleles (0.00081%); highest among the groups gnomAD compares: Admixed American, 0.0017%; no homozygotes.

Submissions (12):

Labcorp Genetics (formerly Invitae), Labcorp
Classification: Pathogenic for Fanconi anemia. Last evaluated: 2026-01-27. Review status: criteria provided, single submitter. Criteria: Invitae Variant Classification Sherloc (09022015). Collection method: clinical testing. Allele origin: germline.
Comment: This sequence change affects a donor splice site in intron 10 of the FANCC gene. It is expected to disrupt RNA splicing. Variants that disrupt the donor or acceptor splice site typically lead to a loss of protein function (PMID: 16199547), and loss-of-function variants in FANCC are known to be pathogenic (PMID: 17924555). This variant is present in population databases (rs370510954, gnomAD 0.003%). Disruption of this splice site has been observed in individual(s) with clinical features of FANCC-related conditions (PMID: 29753700, 34654685, 37865086). In at least one individual the data is consistent with being in trans (on the opposite chromosome) from a pathogenic variant. ClinVar contains an entry for this variant (Variation ID: 265137). Algorithms developed to predict the effect of sequence changes on RNA splicing suggest that this variant may disrupt the consensus splice site. For these reasons, this variant has been classified as Pathogenic.

Otogenetics
Classification: Pathogenic for Fanconi anemia complementation group C. Last evaluated: 2025-12-08. Review status: criteria provided, single submitter. Criteria: ACMG Guidelines, 2015. Collection method: clinical testing. Allele origin: germline.
Comment: PVS1_VeryStrong: Null variant occurring in a canonical splice site (donor site) in gene with loss of function as mechanism of disease, disrupting the reading frame and predicted to undergo NMD; PM2: Maximum gnomAD MAF of 0.0028% in American (AMR) subpopulation (<0.05% threshold); PM3: Variant reported in trans with 2 pathogenic variants in 2 individuals affected with Fanconi anemia (PMID: 30753826, 37865086)

GeneDx
Classification: Likely pathogenic. Last evaluated: 2025-09-15. Review status: criteria provided, single submitter. Criteria: GeneDx Variant Classification Process June 2021. Collection method: clinical testing. Allele origin: germline. Affected: yes.
Comment: Canonical splice site variant predicted to result in a null allele in a gene for which loss of function is a known mechanism of disease; Not observed at significant frequency in large population cohorts (gnomAD); Observed in individuals with Hodgkin lymphoma, neuroblastoma, endometrial, or breast and/or ovarian cancer (PMID: 29753700, 34308104, 35626031, 36744932); This variant is associated with the following publications: (PMID: 10094191, 36497448, 29753700, 29922827, 35626031, 34308104, 35292633, 36744932, 37865086)

Women's Health and Genetics/Laboratory Corporation of America, LabCorp
Classification: Likely pathogenic for Fanconi anemia complementation group C. Last evaluated: 2025-01-21. Review status: criteria provided, single submitter. Criteria: LabCorp Variant Classification Summary - May 2015. Collection method: clinical testing. Allele origin: germline.
Comment: Variant summary: FANCC c.996+1G>T is located in a canonical splice-site and is predicted to affect mRNA splicing resulting in a significantly altered protein due to either exon skipping, shortening, or inclusion of intronic material. Variants that disrupt the consensus splice site are a relatively common cause of aberrant splicing and loss of FANCC function. Several computational tools predict a significant impact on normal splicing: Three predict the variant abolishes a canonical 5' splicing donor site. However, these predictions have yet to be confirmed by functional studies. The variant allele was found at a frequency of 8e-06 in 251450 control chromosomes. c.996+1G>T has been reported in the literature in at-least one presumed compound heterozygous individual affected with Fanconi Anemia (Pagliara_2023) and heterozygous individuals affected with Medulloblastoma, and Endometrial cancer (Gordhandas_2023,Waszak_2018). To our knowledge, no experimental evidence demonstrating an impact on protein function has been reported. The following publications have been ascertained in the context of this evaluation (PMID: 37865086, 36744932, 29753700). ClinVar contains an entry for this variant (Variation ID: 265137). Based on the evidence outlined above, the variant was classified as likely pathogenic.

Blueprint Genetics
Classification: Likely pathogenic for FANCC-related disorders. Last evaluated: 2024-10-14. Review status: criteria provided, single submitter. Criteria: ACMG Guidelines, 2015. Collection method: clinical testing. Allele origin: germline. Affected: yes. Observed: 2 variant alleles.

Ambry Genetics
Classification: Likely pathogenic for Hereditary cancer-predisposing syndrome. Last evaluated: 2024-08-01. Review status: criteria provided, single submitter. Criteria: Ambry Variant Classification Scheme 2023. Collection method: clinical testing. Allele origin: germline.
Comment: The c.996+1G>T intronic variant results from a G to T substitution one nucleotide after coding exon 9 of the FANCC gene. This alteration has been reported in an individual diagnosed with medulloblastoma (Waszak SM et al. Lancet Oncol., 2018 06;19:785-798). This alteration was also identified in 1 of 2184 patients with a personal history of breast and/or ovarian cancer (Espinel W et al. Cancers (Basel), 2022 May;14:). This nucleotide position is highly conserved in available vertebrate species. In silico splice site analysis predicts that this alteration will weaken the native splice donor site; however, direct evidence is insufficient at this time (Ambry internal data). In addition to the clinical data presented in the literature, alterations that disrupt the canonical splice site are expected to cause aberrant splicing, resulting in an abnormal protein or a transcript that is subject to nonsense-mediated mRNA decay. As such, this alteration is classified as likely pathogenic.

Natera, Inc.
Classification: Pathogenic for Fanconi anemia. Last evaluated: 2024-07-15. Review status: criteria provided, single submitter. Criteria: Natera Variant Classification Schema (03/2026). Collection method: clinical testing. Allele origin: germline.
Comment: The c.996+1G>T variant in FANCC is a canonical splice donor site variant predicted to affect pre-mRNA splicing, which may result in an abnormal transcript and altered protein product. This variant is expected to result in nonsense mediated decay, truncation, or a dysfunctional protein product. This variant is rare in the general population with a frequency below the threshold expected for the associated phenotype(s). This variant has been observed in one or more individuals affected with the associated recessive disease, as either homozygous or compound heterozygous with a second variant (PMID: 37865086). Given the available evidence, this variant is classified as Pathogenic.

Fulgent Genetics
Classification: Likely pathogenic for Fanconi anemia complementation group C. Last evaluated: 2024-05-04. Review status: criteria provided, single submitter. Criteria: ACMG Guidelines, 2015. Collection method: clinical testing. Allele origin: germline.

Baylor Genetics
Classification: Pathogenic for Fanconi anemia complementation group C. Last evaluated: 2024-03-24. Review status: criteria provided, single submitter. Criteria: ACMG Guidelines, 2015. Collection method: clinical testing. Allele origin: unknown.

CeGaT Center for Human Genetics Tuebingen
Classification: Likely pathogenic. Last evaluated: 2023-03-01. Review status: criteria provided, single submitter. Criteria: CeGaT Center For Human Genetics Tuebingen Variant Classification Criteria Version 2. Collection method: clinical testing. Allele origin: germline. Affected: yes. Observed: 1 variant allele.
Comment: FANCC: PVS1

Myriad Genetics, Inc.
Classification: Likely pathogenic for Fanconi anemia complementation group C. Last evaluated: 2021-10-26. Review status: criteria provided, single submitter. Criteria: Myriad Women's Health Autosomal Recessive and X-Linked Classification Criteria (2021). Collection method: clinical testing. Allele origin: unknown.
Comment: NM_000136.2(FANCC):c.996+1G>T is a canonical splice variant classified as likely pathogenic in the context of Fanconi anemia, FANCC-related. c.996+1G>T has not been observed in cases with relevant disease. Functional assessments of this variant are not available in the literature. c.996+1G>T has been observed in population frequency databases (gnomAD: AMR 0.003%). In summary, NM_000136.2(FANCC):c.996+1G>T is a canonical splice variant in a gene where loss of function is a known mechanism of disease, is predicted to disrupt protein function, and has been observed more frequently in cases with the relevant disease than in healthy populations. Please note: this variant was assessed in the context of healthy population screening.

Department of Pathology and Laboratory Medicine, Sinai Health System
Classification: Likely pathogenic for Fanconi anemia complementation group C. Last evaluated: 2021-01-13. Review status: criteria provided, single submitter. Criteria: ACMG Guidelines, 2015. Collection method: clinical testing. Allele origin: germline. Affected: no.

Literature cited by the submitters: PubMed 16199547 (cited by Labcorp Genetics (formerly Invitae), Labcorp); PubMed 17924555 (cited by Labcorp Genetics (formerly Invitae), Labcorp); PubMed 29753700 (cited by 4 submitters); PubMed 34654685 (cited by Labcorp Genetics (formerly Invitae), Labcorp); PubMed 37865086 (cited by 4 submitters); PubMed 30753826 (cited by Otogenetics); PubMed 36744932 (cited by Women's Health and Genetics/Laboratory Corporation of America, LabCorp); PubMed 35626031 (cited by Ambry Genetics).